The following is an entry in ClinVar:

NM_001242896.3(DEPDC5):c.4314G>C (p.Gln1438His)

Gene: DEPDC5 (DEP domain containing 5, GATOR1 subcomplex subunit; plus strand). Cytogenetic location: 22q12.3.
Variant type: single nucleotide variant.
Coding change: c.4314G>C on transcript NM_001242896.3 (MANE Select); coding-DNA position 4314, G replaced by C.
Protein change: p.Gln1438His; replaces glutamine 1438 with histidine.
Molecular consequence: missense variant. On other transcripts: non-coding transcript variant (5).
Genome position (GRCh38, 1-based): chr22:31,897,592, G>C. VCF-style: chr22-31897592-G-C. GRCh37 (hg19) VCF-style: chr22-32293578-G-C.
Other names: c.4287G>C, p.Gln1429His (NM_001136029.4); c.4014G>C, p.Gln1338His (NM_001242897.2); c.4248G>C, p.Gln1416His (NM_001363852.2, NM_001364320.2); c.4080G>C, p.Gln1360His (NM_001363854.2, NM_001364319.2); c.4314G>C, p.Gln1438His (NM_001364318.2); c.4230G>C, p.Gln1410His (NM_001369901.1, NM_001369902.1); c.4221G>C, p.Gln1407His (NM_001369903.1, NM_014662.6); short protein forms Q1338H, Q1360H, Q1438H, Q1410H, Q1407H, Q1416H, Q1429H.
Identifiers: ClinVar variation 4715739 (VCV004715739.1).

ClinVar aggregate classification (germline): Uncertain significance (1 of 4 stars; one submission).

Conditions:
Familial focal epilepsy with variable foci (FPEVF). Identifiers: Orphanet 98820, MedGen C1858477, MONDO:0020310.

Submission:

Labcorp Genetics (formerly Invitae), Labcorp
Classification: Uncertain significance for Familial focal epilepsy with variable foci. Last evaluated: 2025-03-23. Review status: criteria provided, single submitter. Criteria: Invitae Variant Classification Sherloc (09022015). Collection method: clinical testing. Allele origin: germline.
Comment: This sequence change replaces glutamine, which is neutral and polar, with histidine, which is basic and polar, at codon 1438 of the DEPDC5 protein (p.Gln1438His). This variant is not present in population databases (gnomAD no frequency). This variant has not been reported in the literature in individuals affected with DEPDC5-related conditions. Experimental studies and prediction algorithms are not available or were not evaluated, and the functional significance of this variant is currently unknown. In summary, the available evidence is currently insufficient to determine the role of this variant in disease. Therefore, it has been classified as a Variant of Uncertain Significance.